The following is an entry in ClinVar:

NM_001386140.1(MTTP):c.1016C>T (p.Ala339Val)

Gene: MTTP (microsomal triglyceride transfer protein; plus strand). Cytogenetic location: 4q23.
Variant type: single nucleotide variant.
Coding change: c.1016C>T on transcript NM_001386140.1 (MANE Select); coding-DNA position 1016, C replaced by T.
Protein change: p.Ala339Val; replaces alanine 339 with valine.
Molecular consequence: missense variant.
Genome position (GRCh38, 1-based): chr4:99,597,173, C>T. VCF-style: chr4-99597173-C-T. GRCh37 (hg19) VCF-style: chr4-100518330-C-T.
Other names: c.1016C>T, p.Ala339Val (NM_000253.4); c.767C>T, p.Ala256Val (NM_001300785.2); short protein forms A339V, A256V.
Identifiers: ClinVar variation 347032 (VCV000347032.7), dbSNP rs137956833, ClinGen allele CA3022003.

ClinVar aggregate classification (germline): Uncertain significance. Review status: criteria provided, multiple submitters, no conflicts (2 of 4 stars). 3 submissions from 3 submitters: Uncertain significance (3). Last evaluated 2023-09-25.

Conditions:
Inborn genetic diseases. Identifiers: MedGen C0950123, MeSH D030342.
Abetalipoproteinaemia (ABL). Also called: MTP DEFICIENCY; Abetalipoproteinemia; Abetalipoproteinemia neuropathy; Apolipoprotein B deficiency; Congenital betalipoprotein deficiency syndrome. Identifiers: Orphanet 14, MedGen C0000744, MONDO:0008692, OMIM 200100, HP:0008181.

gnomAD v4.1: 10 of 1,613,744 alleles (0.00062%); highest among the groups gnomAD compares: East Asian, 0.0022%; no homozygotes.

Submissions (3):

Ambry Genetics
Classification: Uncertain significance for Inborn genetic diseases. Last evaluated: 2023-09-25. Review status: criteria provided, single submitter. Criteria: Ambry Variant Classification Scheme 2023. Collection method: clinical testing. Allele origin: germline.

Labcorp Genetics (formerly Invitae), Labcorp
Classification: Uncertain significance. Last evaluated: 2022-06-20. Review status: criteria provided, single submitter. Criteria: Invitae Variant Classification Sherloc (09022015). Collection method: clinical testing. Allele origin: germline.
Comment: This sequence change replaces alanine, which is neutral and non-polar, with valine, which is neutral and non-polar, at codon 339 of the MTTP protein (p.Ala339Val). This variant is present in population databases (rs137956833, gnomAD 0.01%). This variant has not been reported in the literature in individuals affected with MTTP-related conditions. ClinVar contains an entry for this variant (Variation ID: 347032). Algorithms developed to predict the effect of missense changes on protein structure and function are either unavailable or do not agree on the potential impact of this missense change (SIFT: "Deleterious"; PolyPhen-2: "Probably Damaging"; Align-GVGD: "Class C0"). In summary, the available evidence is currently insufficient to determine the role of this variant in disease. Therefore, it has been classified as a Variant of Uncertain Significance.

Illumina Laboratory Services, Illumina
Classification: Uncertain significance for Abetalipoproteinaemia. Last evaluated: 2018-01-12. Review status: criteria provided, single submitter. Criteria: ICSL Variant Classification Criteria 13 December 2019. Collection method: clinical testing. Allele origin: germline.